The following is an entry in ClinVar:

ClinVar aggregate classification (germline): Likely benign (1 of 4 stars; one submission).

Allele frequency attached by ClinVar (database versions not stated): 1000 Genomes Project 30x 0.00062; gnomAD 0.00577; TOPMed 0.00583.
gnomAD v4.1: 2,492 of 390,026 alleles (0.64%); highest among the groups gnomAD compares: Middle Eastern, 1.4%; 15 homozygotes.

Submission:

GeneDx
Classification: Likely benign. Last evaluated: 2021-05-26. Review status: criteria provided, single submitter. Criteria: GeneDx Variant Classification Process June 2021. Collection method: clinical testing. Allele origin: germline. Affected: yes.
Comment: See Variant Classification Assertion Criteria.

NM_002246.3(KCNK3):c.-128G>C

Gene: KCNK3 (potassium two pore domain channel subfamily K member 3; plus strand). Cytogenetic location: 2p23.3.
Variant type: single nucleotide variant.
Coding change: c.-128G>C on transcript NM_002246.3 (MANE Select); 128 bases upstream of the start codon, G replaced by C.
Molecular consequence: 5 prime UTR variant.
Genome position (GRCh38, 1-based): chr2:26,692,748, G>C. VCF-style: chr2-26692748-G-C. GRCh37 (hg19) VCF-style: chr2-26915616-G-C.
Identifiers: ClinVar variation 2504974 (VCV002504974.1), dbSNP rs868836533, ClinGen allele CA44392049.